The following is an entry in ClinVar:

NM_001308093.3(GATA4):c.508G>C (p.Gly170Arg)

Gene: GATA4 (GATA binding protein 4). Cytogenetic location: 8p23.1.
Variant type: single nucleotide variant.
Coding change: c.508G>C on transcript NM_001308093.3 (MANE Select); coding-DNA position 508, G replaced by C.
Protein change: p.Gly170Arg; replaces glycine 170 with arginine.
Molecular consequence: missense variant. On other transcripts: intron variant (3).
Genome position (GRCh38, 1-based): chr8:11,708,820, G>C. VCF-style: chr8-11708820-G-C. GRCh37 (hg19) VCF-style: chr8-11566329-G-C.
Other names: c.508G>C, p.Gly170Arg (NM_002052.5); c.-6+8042G>C (NM_001308094.2); c.-3+806G>C (NM_001374274.1); c.-3+4516G>C (NM_001374273.1); short protein forms G170R.
Identifiers: ClinVar variation 859757 (VCV000859757.10), dbSNP rs1800024355, ClinGen allele CA370309773.

ClinVar aggregate classification (germline): Uncertain significance. Review status: criteria provided, multiple submitters, no conflicts (2 of 4 stars). 2 submissions from 2 submitters: Uncertain significance (2). Last evaluated 2024-09-08.

Conditions:
Cardiovascular phenotype. Identifiers: MedGen CN230736.
Atrioventricular septal defect 4 (AVSD4). Identifiers: MedGen C3280781, MONDO:0013747, OMIM 614430.

gnomAD v4.1: 2 of 1,485,960 alleles (0.00013%); highest among the groups gnomAD compares: Non-Finnish European, 0.00018%; no homozygotes.

Submissions (2):

Ambry Genetics
Classification: Uncertain significance for Cardiovascular phenotype. Last evaluated: 2024-09-08. Review status: criteria provided, single submitter. Criteria: Ambry Variant Classification Scheme 2023. Collection method: clinical testing. Allele origin: germline.
Comment: The p.G170R variant (also known as c.508G>C), located in coding exon 1 of the GATA4 gene, results from a G to C substitution at nucleotide position 508. The glycine at codon 170 is replaced by arginine, an amino acid with dissimilar properties. This amino acid position is conserved. In addition, the in silico prediction for this alteration is inconclusive. Based on the available evidence, the clinical significance of this variant remains unclear.

Labcorp Genetics (formerly Invitae), Labcorp
Classification: Uncertain significance for Atrioventricular septal defect 4. Last evaluated: 2022-04-15. Review status: criteria provided, single submitter. Criteria: Invitae Variant Classification Sherloc (09022015). Collection method: clinical testing. Allele origin: germline.
Comment: In summary, the available evidence is currently insufficient to determine the role of this variant in disease. Therefore, it has been classified as a Variant of Uncertain Significance. Algorithms developed to predict the effect of missense changes on protein structure and function are either unavailable or do not agree on the potential impact of this missense change (SIFT: "Deleterious"; PolyPhen-2: "Probably Damaging"; Align-GVGD: "Class C0"). ClinVar contains an entry for this variant (Variation ID: 859757). This variant has not been reported in the literature in individuals affected with GATA4-related conditions. This variant is not present in population databases (gnomAD no frequency). This sequence change replaces glycine, which is neutral and non-polar, with arginine, which is basic and polar, at codon 170 of the GATA4 protein (p.Gly170Arg).